The following is an entry in ClinVar:

ClinVar aggregate classification (germline): Likely benign (1 of 4 stars; one submission).

Allele frequency attached by ClinVar (database versions not stated): gnomAD 0.00650; TOPMed 0.00717; 1000 Genomes Project 0.00719; 1000 Genomes Project 30x 0.00781.
gnomAD v4.1: 2,099 of 1,306,936 alleles (0.16%); highest among the groups gnomAD compares: African/African-American, 2.1%; 23 homozygotes.

Submission:

GeneDx
Classification: Likely benign. Last evaluated: 2019-03-24. Review status: criteria provided, single submitter. Criteria: GeneDx Variant Classification Process June 2021. Collection method: clinical testing. Allele origin: germline. Affected: yes.
Comment: See Variant Classification Assertion Criteria.

NM_001283009.2(RTEL1):c.2653-87C>T

Genes: RTEL1 (regulator of telomere elongation helicase 1; plus strand), RTEL1-TNFRSF6B (RTEL1-TNFRSF6B readthrough (NMD candidate); plus strand). Cytogenetic location: 20q13.33.
Variant type: single nucleotide variant.
Coding change: c.2653-87C>T on transcript NM_001283009.2 (MANE Select); 87 bases into the intron before coding-DNA position 2653, C replaced by T.
Molecular consequence: intron variant.
Genome position (GRCh38, 1-based): chr20:63,692,718, C>T. VCF-style: chr20-63692718-C-T. GRCh37 (hg19) VCF-style: chr20-62324071-C-T.
Other names: c.1984-87C>T (NM_001283010.1); c.2725-87C>T (NM_032957.5); c.2653-87C>T (NM_016434.4).
Identifiers: ClinVar variation 1804202 (VCV001804202.1), dbSNP rs141600567, ClinGen allele CA317520018.